The following is an entry in ClinVar:

ClinVar aggregate classification (germline): Uncertain significance. Review status: criteria provided, multiple submitters, no conflicts (2 of 4 stars). 2 submissions from 2 submitters: Uncertain significance (2). Last evaluated 2026-02-02.

Conditions:
BBS4-related disorder. Also called: BBS4-related condition.
Inborn genetic diseases. Identifiers: MedGen C0950123, MeSH D030342.

gnomAD v4.1: 1 of 1,614,072 alleles (0.000062%); highest among the groups gnomAD compares: Admixed American, 0.0017%; no homozygotes.

Submissions (2):

PreventionGenetics, part of Exact Sciences
Classification: Uncertain significance for BBS4-related condition. Last evaluated: 2026-02-02. Review status: criteria provided, single submitter. Criteria: ACMG Guidelines, 2015. Collection method: clinical testing. Allele origin: germline.
Comment: The BBS4 c.834G>C variant is predicted to result in the amino acid substitution p.Met278Ile. To our knowledge, this variant has not been reported in the literature or in a large population database (gnomAD), indicating this variant is rare. At this time, the clinical significance of this variant is uncertain due to the absence of conclusive functional and genetic evidence.

Ambry Genetics
Classification: Uncertain significance for Inborn genetic diseases. Last evaluated: 2024-03-15. Review status: criteria provided, single submitter. Criteria: Ambry Variant Classification Scheme 2023. Collection method: clinical testing. Allele origin: germline.

NM_033028.5(BBS4):c.834G>C (p.Met278Ile)

Gene: BBS4 (Bardet-Biedl syndrome 4; plus strand). Cytogenetic location: 15q24.1.
Variant type: single nucleotide variant.
Coding change: c.834G>C on transcript NM_033028.5 (MANE Select); coding-DNA position 834, G replaced by C.
Protein change: p.Met278Ile; replaces methionine 278 with isoleucine.
Molecular consequence: missense variant. On other transcripts: non-coding transcript variant (2).
Genome position (GRCh38, 1-based): chr15:72,731,427, G>C. VCF-style: chr15-72731427-G-C. GRCh37 (hg19) VCF-style: chr15-73023768-G-C.
Other names: c.834G>C (NM_033028.4); c.318G>C, p.Met106Ile (NM_001252678.2); c.765G>C, p.Met255Ile (NM_001320665.2); short protein forms M278I, M106I, M255I.
Identifiers: ClinVar variation 3260539 (VCV003260539.2).
Genomic context (GRCh38, chr15:72,731,427, plus strand): 5'-ATACAGAGTTGTGGCTTGTGCTGTTCCAGAAAGTCCTCCACTCTGGAATAACATTGGAAT[G>C]TGTTTCTTTGGCAAGAAGAAATATGTGGCGGTGAGTGTCCCCTCATGTTCTTTGTTTGTA-3'
Protein context (NP_149017.2, residues 268-288): ESPPLWNNIG[Met278Ile]CFFGKKKYVA